The following is an entry in ClinVar:

ClinVar aggregate classification (germline): Uncertain significance (1 of 4 stars; one submission).

Conditions:
Familial hypocalciuric hypercalcemia (FHH). Also called: Familial benign hypercalcemia. Identifiers: Orphanet 405, MedGen C1809471, MONDO:0018458.
Autosomal dominant hypocalcemia 1 (HYPOC1). Also called: HYPOCALCEMIA, FAMILIAL. Identifiers: MedGen C3715128, MONDO:0011013, OMIM 601198.

Submission:

Labcorp Genetics (formerly Invitae), Labcorp
Classification: Uncertain significance for Familial hypocalciuric hypercalcemia; Autosomal dominant hypocalcemia 1. Last evaluated: 2021-01-29. Review status: criteria provided, single submitter. Criteria: Invitae Variant Classification Sherloc (09022015). Collection method: clinical testing. Allele origin: germline.
Comment: In summary, the available evidence is currently insufficient to determine the role of this variant in disease. Therefore, it has been classified as a Variant of Uncertain Significance. This sequence change replaces glycine with alanine at codon 623 of the CASR protein (p.Gly623Ala). The glycine residue is highly conserved and there is a small physicochemical difference between glycine and alanine. This variant is not present in population databases (ExAC no frequency). This variant has not been reported in the literature in individuals with CASR-related conditions. Algorithms developed to predict the effect of missense changes on protein structure and function (SIFT, PolyPhen-2, Align-GVGD) all suggest that this variant is likely to be disruptive, but these predictions have not been confirmed by published functional studies and their clinical significance is uncertain.

NM_000388.4(CASR):c.1868G>C (p.Gly623Ala)

Gene: CASR (calcium sensing receptor; plus strand). Cytogenetic location: 3q21.1.
Variant type: single nucleotide variant.
Coding change: c.1868G>C on transcript NM_000388.4 (MANE Select); coding-DNA position 1868, G replaced by C.
Protein change: p.Gly623Ala; replaces glycine 623 with alanine.
Molecular consequence: missense variant.
Genome position (GRCh38, 1-based): chr3:122,283,822, G>C. VCF-style: chr3-122283822-G-C. GRCh37 (hg19) VCF-style: chr3-122002669-G-C.
Other names: c.1898G>C, p.Gly633Ala (NM_001178065.2); short protein forms G623A, G633A.
Identifiers: ClinVar variation 1405799 (VCV001405799.8), dbSNP rs2107649545, ClinGen allele CA354157745.